The following is an entry in ClinVar:

ClinVar aggregate classification (germline): Conflicting classifications of pathogenicity. Review status: criteria provided, conflicting classifications (1 of 4 stars). 6 submissions from 6 submitters: Uncertain significance (4); Likely benign (1). 1 of the submissions does not count toward it. Last evaluated 2026-02-02.

Conditions:
Saldino-Mainzer syndrome (SRTD9). Also called: Renal dysplasia, retinal pigmentary dystrophy, cerebellar ataxia and skeletal dysplasia; SHORT-RIB THORACIC DYSPLASIA 9 WITHOUT POLYDACTYLY; short-rib thoracic dysplasia 9 with or without polydactyly; CONORENAL SYNDROME. Identifiers: Orphanet 140969, MedGen C1849437, MONDO:0009964, OMIM 266920.
IFT140-related disorder. Also called: IFT140-related condition.
Retinitis pigmentosa 80 (RP80). Identifiers: MedGen C4540439, MONDO:0054708, OMIM 617781.
Retinal dystrophy. Also called: Inherited retinal dystrophy. Identifiers: Orphanet 71862, MedGen C0854723, MeSH D058499, MONDO:0019118, HP:0000556.

Allele frequency attached by ClinVar (database versions not stated): gnomAD exomes 0.00013 and 0.00021; ESP Exome Variant Server 0.00015; ExAC 0.00018; gnomAD 0.00048; 1000 Genomes Project 0.00100; TOPMed 0.00111; 1000 Genomes Project 30x 0.00125.
gnomAD v4.1: 286 of 1,613,912 alleles (0.018%); highest among the groups gnomAD compares: Admixed American, 0.15%; no homozygotes.

Submissions (6):

Labcorp Genetics (formerly Invitae), Labcorp
Classification: Likely benign for Saldino-Mainzer syndrome. Last evaluated: 2026-02-02. Review status: criteria provided, single submitter. Criteria: Invitae Variant Classification Sherloc (09022015). Collection method: clinical testing. Allele origin: germline.

Blueprint Genetics
Classification: Uncertain significance. Last evaluated: 2024-09-12. Review status: criteria provided, single submitter. Criteria: ACMG Guidelines, 2015. Collection method: clinical testing. Allele origin: germline.

Fulgent Genetics
Classification: Uncertain significance for Saldino-Mainzer syndrome; Retinitis pigmentosa 80. Last evaluated: 2022-02-24. Review status: criteria provided, single submitter. Criteria: ACMG Guidelines, 2015. Collection method: clinical testing. Allele origin: unknown.

Institute of Human Genetics, Univ. Regensburg, Univ. Regensburg
Classification: Uncertain significance for Retinal dystrophy. Last evaluated: 2021-01-01. Review status: criteria provided, single submitter. Criteria: ACMG Guidelines, 2015. Collection method: clinical testing. Allele origin: germline. Affected: yes.

Eurofins Ntd Llc (ga)
Classification: Uncertain significance. Last evaluated: 2017-07-26. Review status: criteria provided, single submitter. Criteria: EGL Classification Definitions 2015. Collection method: clinical testing. Allele origin: germline. Observed: 1 variant allele, 1 heterozygote.

PreventionGenetics, part of Exact Sciences
Classification: Uncertain significance for IFT140-related condition. Last evaluated: 2024-09-04. Review status: no assertion criteria provided. Collection method: clinical testing. Allele origin: germline. Not counted in ClinVar's aggregate classification.
Comment: The IFT140 c.2360A>G variant is predicted to result in the amino acid substitution p.Asp787Gly. This variant has been reported in the heterozygous state in an individual with Jeune asphyxiating thoracic dystrophy (JATD), but a second variant was not found (Schmidts et al. 2013. PubMed ID: 23418020). This variant is reported in 0.059% of alleles in individuals of Latino descent in gnomAD, which may be too common to be a primary cause of disease. Although we suspect that this variant may be benign, at this time, the clinical significance of this variant is uncertain due to the absence of conclusive functional and genetic evidence.

Literature cited by the submitters: PubMed 23418020 (cited by Institute of Human Genetics, Univ. Regensburg, Univ. Regensburg).

NM_014714.4(IFT140):c.2360A>G (p.Asp787Gly)

Gene: IFT140 (intraflagellar transport 140; minus strand). Cytogenetic location: 16p13.3.
Variant type: single nucleotide variant.
Coding change: c.2360A>G on transcript NM_014714.4 (MANE Select); coding-DNA position 2360, A replaced by G.
Protein change: p.Asp787Gly; replaces aspartic acid 787 with glycine.
Molecular consequence: missense variant.
Genome position (GRCh38, 1-based): chr16:1,557,974, T>C on the plus strand (A>G on the coding strand, the complement: IFT140 is on the minus strand). VCF-style: chr16-1557974-T-C. GRCh37 (hg19) VCF-style: chr16-1607975-T-C.
Other names: short protein forms D787G.
Identifiers: ClinVar variation 593384 (VCV000593384.17), dbSNP rs144938800, ClinGen allele CA7813929.